The following is an entry in ClinVar:

ClinVar aggregate classification (germline): Uncertain significance (1 of 4 stars; one submission).

gnomAD v4.1: 9 of 1,613,358 alleles (0.00056%); highest among the groups gnomAD compares: Non-Finnish European, 0.00076%; no homozygotes.

Submission:

Labcorp Genetics (formerly Invitae), Labcorp
Classification: Uncertain significance. Last evaluated: 2021-02-08. Review status: criteria provided, single submitter. Criteria: Invitae Variant Classification Sherloc (09022015). Collection method: clinical testing. Allele origin: germline.
Comment: This sequence change replaces serine with alanine at codon 721 of the COL18A1 protein (p.Ser721Ala). The serine residue is weakly conserved and there is a moderate physicochemical difference between serine and alanine. This variant is present in population databases (rs774425124, ExAC 0.002%). This variant has not been reported in the literature in individuals with COL18A1-related conditions. Experimental studies and prediction algorithms are not available or were not evaluated, and the functional significance of this variant is currently unknown. In summary, the available evidence is currently insufficient to determine the role of this variant in disease. Therefore, it has been classified as a Variant of Uncertain Significance.

NM_001379500.1(COL18A1):c.2161T>G (p.Ser721Ala)

Gene: COL18A1 (collagen type XVIII alpha 1 chain; plus strand). Cytogenetic location: 21q22.3.
Variant type: single nucleotide variant.
Coding change: c.2161T>G on transcript NM_001379500.1 (MANE Select); coding-DNA position 2161, T replaced by G.
Protein change: p.Ser721Ala; replaces serine 721 with alanine.
Molecular consequence: missense variant.
Genome position (GRCh38, 1-based): chr21:45,492,538, T>G. VCF-style: chr21-45492538-T-G. GRCh37 (hg19) VCF-style: chr21-46912452-T-G.
Other names: c.2701T>G, p.Ser901Ala (NM_030582.4); c.3406T>G, p.Ser1136Ala (NM_130444.3); short protein forms S901A, S721A, S1136A.
Identifiers: ClinVar variation 1433368 (VCV001433368.6), dbSNP rs774425124, ClinGen allele CA10066866.